The following is an entry in ClinVar:

NM_001353921.2(ARHGEF9):c.1034G>A (p.Arg345Gln)

Gene: ARHGEF9 (Cdc42 guanine nucleotide exchange factor 9; minus strand). Cytogenetic location: Xq11.1.
Variant type: single nucleotide variant.
Coding change: c.1034G>A on transcript NM_001353921.2 (MANE Select); coding-DNA position 1034, G replaced by A.
Protein change: p.Arg345Gln; replaces arginine 345 with glutamine.
Molecular consequence: missense variant. On other transcripts: intron variant (5).
Genome position (GRCh38, 1-based): chrX:63,665,929, C>T on the plus strand (G>A on the coding strand, the complement: ARHGEF9 is on the minus strand). VCF-style: chrX-63665929-C-T. GRCh37 (hg19) VCF-style: chrX-62885809-C-T.
Other names: c.854G>A, p.Arg285Gln (NM_001173479.2); c.707G>A, p.Arg236Gln (NM_001173480.2, NM_001369042.1); c.950G>A, p.Arg317Gln (NM_001330495.2, NM_001369033.1, NM_001369034.1 and 6 more transcripts); c.1052G>A, p.Arg351Gln (NM_001353923.1); c.833G>A, p.Arg278Gln (NM_001353924.2, NM_001353926.2, NM_001369039.1 and 1 more transcripts); c.1013G>A, p.Arg338Gln (NM_001369030.1, NM_001369031.1, NM_001369032.1 and 1 more transcripts); c.945+8109G>A (NM_001353922.2); c.861+8109G>A (NM_001369041.1, NM_001353927.2); and 2 more; short protein forms R236Q, R278Q, R285Q, R317Q, R338Q, R345Q, R351Q.
Identifiers: ClinVar variation 1691741 (VCV001691741.3), dbSNP rs2147265791, ClinGen allele CA413405575.

ClinVar aggregate classification (germline): Likely pathogenic (1 of 4 stars; one submission).

Submission:

GeneDx
Classification: Likely pathogenic. Last evaluated: 2023-01-19. Review status: criteria provided, single submitter. Criteria: GeneDx Variant Classification Process June 2021. Collection method: clinical testing. Allele origin: germline. Affected: yes.
Comment: Not observed at significant frequency in large population cohorts (gnomAD); In silico analysis supports that this missense variant has a deleterious effect on protein structure/function; Has not been previously published as pathogenic or benign to our knowledge